The following is an entry in ClinVar:

NM_000260.4(MYO7A):c.285+1G>T

Gene: MYO7A (myosin VIIA; plus strand). Cytogenetic location: 11q13.5.
Variant type: single nucleotide variant.
Coding change: c.285+1G>T on transcript NM_000260.4 (MANE Select); the canonical splice donor site of the intron after coding-DNA position 285, G replaced by T.
Molecular consequence: splice donor variant.
Genome position (GRCh38, 1-based): chr11:77,147,951, G>T. VCF-style: chr11-77147951-G-T. GRCh37 (hg19) VCF-style: chr11-76858997-G-T.
Other names: c.285+1G>T (NM_000260.3, NM_001127180.2); c.252+1G>T (NM_001369365.1).
Identifiers: ClinVar variation 3574005 (VCV003574005.4).

ClinVar aggregate classification (germline): Pathogenic/Likely pathogenic. Review status: criteria provided, multiple submitters, no conflicts (2 of 4 stars). 3 submissions from 3 submitters: Pathogenic (1); Likely pathogenic (2). Last evaluated 2025-01-21.

Conditions:
Usher syndrome type 1 (USH1). Also called: RETINITIS PIGMENTOSA AND CONGENITAL DEAFNESS. Identifiers: Orphanet 231169, Orphanet 886, MedGen C1568247, MONDO:0010168, OMIM 276900.
Autosomal dominant nonsyndromic hearing loss 11. Identifiers: Orphanet 90635, MedGen C1832475, MONDO:0011032, OMIM 601317.
Autosomal recessive nonsyndromic hearing loss 2. Also called: DEAFNESS, AUTOSOMAL RECESSIVE 2; NEUROSENSORY NONSYNDROMIC RECESSIVE DEAFNESS 2. Identifiers: Orphanet 90636, MedGen C1838701, MONDO:0010807, OMIM 600060.
Usher syndrome type 1B (USH1B). Also called: Usher syndrome type IB. Identifiers: MedGen C1848638, MONDO:0700087.

gnomAD v4.1: 1 of 1,542,810 alleles (0.000065%); highest among the groups gnomAD compares: East Asian, 0.0025%; no homozygotes.

Submissions (3):

Natera, Inc.
Classification: Likely pathogenic for Usher syndrome type 1B. Last evaluated: 2025-01-21. Review status: criteria provided, single submitter. Criteria: Natera Variant Classification Schema (03/2026). Collection method: clinical testing. Allele origin: germline.
Comment: The c.285+1G>T variant in MYO7A is a canonical splice donor site variant predicted to affect pre-mRNA splicing, which may result in an abnormal transcript and altered protein product. This variant may result in a truncated or dysfunctional protein product. This variant is rare in the general population with a frequency below the threshold expected for the associated phenotype(s). Another variant at this same site results in an alteration predicted to cause a similar molecular effect has been observed in individual(s) with the associated phenotype. Given the available evidence, this variant is classified as Likely Pathogenic.

Labcorp Genetics (formerly Invitae), Labcorp
Classification: Pathogenic. Last evaluated: 2024-04-25. Review status: criteria provided, single submitter. Criteria: Invitae Variant Classification Sherloc (09022015). Collection method: clinical testing. Allele origin: germline.
Comment: This sequence change affects a donor splice site in intron 4 of the MYO7A gene. It is expected to disrupt RNA splicing. Variants that disrupt the donor or acceptor splice site typically lead to a loss of protein function (PMID: 16199547), and loss-of-function variants in MYO7A are known to be pathogenic (PMID: 8900236, 25404053). This variant is present in population databases (no rsID available, gnomAD 0.01%). Disruption of this splice site has been observed in individuals with clinical features of autosomal recessive Usher syndrome (PMID: 29490346; Invitae). Algorithms developed to predict the effect of sequence changes on RNA splicing suggest that this variant may disrupt the consensus splice site. For these reasons, this variant has been classified as Pathogenic.

Fulgent Genetics
Classification: Likely pathogenic for Usher syndrome type 1; Autosomal recessive nonsyndromic hearing loss 2; Autosomal dominant nonsyndromic hearing loss 11. Last evaluated: 2024-03-05. Review status: criteria provided, single submitter. Criteria: ACMG Guidelines, 2015. Collection method: clinical testing. Allele origin: germline.

Literature cited by the submitters: PubMed 16199547 (cited by Labcorp Genetics (formerly Invitae), Labcorp); PubMed 8900236 (cited by Labcorp Genetics (formerly Invitae), Labcorp); PubMed 25404053 (cited by Labcorp Genetics (formerly Invitae), Labcorp); PubMed 29490346 (cited by Labcorp Genetics (formerly Invitae), Labcorp).